The following is an entry in ClinVar:

ClinVar aggregate classification (germline): Uncertain significance. Review status: criteria provided, multiple submitters, no conflicts (2 of 4 stars). 2 submissions from 2 submitters: Uncertain significance (2). Last evaluated 2025-09-10.

Conditions:
Hereditary cancer-predisposing syndrome. Also called: Neoplastic Syndromes, Hereditary; Tumor predisposition; Hereditary Cancer Syndrome; Hereditary neoplastic syndrome. Identifiers: Orphanet 140162, MedGen C0027672, MeSH D009386, MONDO:0015356.
Bloom syndrome (BLM). Also called: Bloom-Torre-Machacek syndrome. Identifiers: Orphanet 125, MedGen C0005859, MONDO:0008876, OMIM 210900.

Submissions (2):

Ambry Genetics
Classification: Uncertain significance for Hereditary cancer-predisposing syndrome. Last evaluated: 2025-09-10. Review status: criteria provided, single submitter. Criteria: Ambry Variant Classification Scheme 2023. Collection method: clinical testing. Allele origin: germline.
Comment: The p.S255N variant (also known as c.764G>A), located in coding exon 2 of the BLM gene, results from a G to A substitution at nucleotide position 764. The serine at codon 255 is replaced by asparagine, an amino acid with highly similar properties. This amino acid position is not well conserved in available vertebrate species. In addition, this alteration is predicted to be tolerated by in silico analysis. Since supporting evidence is limited at this time, the clinical significance of this alteration remains unclear.

Labcorp Genetics (formerly Invitae), Labcorp
Classification: Uncertain significance for Bloom syndrome. Last evaluated: 2025-09-10. Review status: criteria provided, single submitter. Criteria: Invitae Variant Classification Sherloc (09022015). Collection method: clinical testing. Allele origin: germline.
Comment: This sequence change replaces serine, which is neutral and polar, with asparagine, which is neutral and polar, at codon 255 of the BLM protein (p.Ser255Asn). This variant is not present in population databases (gnomAD no frequency). This variant has not been reported in the literature in individuals affected with BLM-related conditions. ClinVar contains an entry for this variant (Variation ID: 1759973). An algorithm developed to predict the effect of missense changes on protein structure and function outputs the following: PolyPhen-2: "Benign". The asparagine amino acid residue is found in multiple mammalian species, which suggests that this missense change does not adversely affect protein function. In summary, the available evidence is currently insufficient to determine the role of this variant in disease. Therefore, it has been classified as a Variant of Uncertain Significance.

NM_000057.4(BLM):c.764G>A (p.Ser255Asn)

Gene: BLM (BLM RecQ like helicase; plus strand). Cytogenetic location: 15q26.1.
Variant type: single nucleotide variant.
Coding change: c.764G>A on transcript NM_000057.4 (MANE Select); coding-DNA position 764, G replaced by A.
Protein change: p.Ser255Asn; replaces serine 255 with asparagine.
Molecular consequence: missense variant. On other transcripts: 5 prime UTR variant (1).
Genome position (GRCh38, 1-based): chr15:90,750,032, G>A. VCF-style: chr15-90750032-G-A. GRCh37 (hg19) VCF-style: chr15-91293262-G-A.
Other names: c.764G>A, p.Ser255Asn (NM_001287246.2, NM_001287247.2); c.-528G>A (NM_001287248.2); short protein forms S255N.
Identifiers: ClinVar variation 1759973 (VCV001759973.4), dbSNP rs2505394972, ClinGen allele CA393841510.